The following is an entry in ClinVar:

ClinVar aggregate classification (germline): Pathogenic (1 of 4 stars; one submission).

Submission:

Labcorp Genetics (formerly Invitae), Labcorp
Classification: Pathogenic. Last evaluated: 2021-10-12. Review status: criteria provided, single submitter. Criteria: Invitae Variant Classification Sherloc (09022015). Collection method: clinical testing. Allele origin: germline.
Comment: This variant has not been reported in the literature in individuals affected with MNX1-related conditions. For these reasons, this variant has been classified as Pathogenic. This premature translational stop signal has been observed in at least one individual who was not affected with MNX1-related conditions (Invitae). The frequency data for this variant in the population databases is considered unreliable, as metrics indicate insufficient coverage at this position in the ExAC database. This sequence change creates a premature translational stop signal (p.Ala125Profs*99) in the MNX1 gene. It is expected to result in an absent or disrupted protein product. Loss-of-function variants in MNX1 are known to be pathogenic (PMID: 10631160, 10749657, 16254195, 24095820).

Literature cited by the submitters: PubMed 10631160; PubMed 10749657; PubMed 16254195; PubMed 24095820.

NM_005515.4(MNX1):c.372_373insCCGCC (p.Ala125fs)

Gene: MNX1 (motor neuron and pancreas homeobox 1; minus strand). Cytogenetic location: 7q36.3.
Variant type: Insertion.
Coding change: c.372_373insCCGCC on transcript NM_005515.4 (MANE Select); coding-DNA positions 372 to 373, CCGCC inserted.
Protein change: p.Ala125fs; shifts the reading frame from alanine 125.
Molecular consequence: frameshift variant.
Genome position: GRCh38 VCF-style: chr7-157009978-C-CGGCGG. GRCh37 (hg19) VCF-style: chr7-156802672-C-CGGCGG.
Other names: short protein forms A125fs.
Identifiers: ClinVar variation 1459648 (VCV001459648.6), dbSNP rs1175404096, ClinGen allele CA2573141901.